The following is an entry in ClinVar:

ClinVar aggregate classification (germline): Uncertain significance (1 of 4 stars; one submission).

Conditions:
Cardiovascular phenotype. Identifiers: MedGen CN230736.

Submission:

Ambry Genetics
Classification: Uncertain significance for Cardiovascular phenotype. Last evaluated: 2024-10-28. Review status: criteria provided, single submitter. Criteria: Ambry Variant Classification Scheme 2023. Collection method: clinical testing. Allele origin: germline.
Comment: The p.P795L variant (also known as c.2384C>T), located in coding exon 10 of the MYPN gene, results from a C to T substitution at nucleotide position 2384. The proline at codon 795 is replaced by leucine, an amino acid with similar properties. This amino acid position is conserved. In addition, this alteration is predicted to be tolerated by in silico analysis. Based on the available evidence, the clinical significance of this variant remains unclear.

NM_032578.4(MYPN):c.2384C>T (p.Pro795Leu)

Gene: MYPN (myopalladin; plus strand). Cytogenetic location: 10q21.3.
Variant type: single nucleotide variant.
Coding change: c.2384C>T on transcript NM_032578.4 (MANE Select); coding-DNA position 2384, C replaced by T.
Protein change: p.Pro795Leu; replaces proline 795 with leucine.
Molecular consequence: missense variant. On other transcripts: non-coding transcript variant (2).
Genome position (GRCh38, 1-based): chr10:68,174,476, C>T. VCF-style: chr10-68174476-C-T. GRCh37 (hg19) VCF-style: chr10-69934233-C-T.
Other names: c.2384C>T, p.Pro795Leu (NM_001256267.2); c.1502C>T, p.Pro501Leu (NM_001256268.2); short protein forms P795L, P501L.
Identifiers: ClinVar variation 3402102 (VCV003402102.1).